The following is an entry in ClinVar:

ClinVar aggregate classification (germline): Pathogenic (1 of 4 stars; one submission).

Conditions:
Osteogenesis imperfecta type I (OI1). Also called: OI, TYPE I; OSTEOGENESIS IMPERFECTA TARDA; OSTEOGENESIS IMPERFECTA WITH BLUE SCLERAE; Osteogenesis imperfecta type 1; Classic Non-deforming Osteogenesis Imperfecta with Blue Sclerae; Lobstein's Disease. Identifiers: Orphanet 216796, Orphanet 666, MedGen C0023931, MONDO:0008146, OMIM 166200. Disease mechanism: loss of function.
Ehlers-Danlos syndrome, classic type, 1 (EDSCL1). Also called: EHLERS-DANLOS SYNDROME, GRAVIS TYPE; EHLERS-DANLOS SYNDROME, SEVERE CLASSIC TYPE; EDS I; Ehlers-Danlos Syndrome, Classic Type, COL5A1-Related; Ehlers-Danlos syndrome, type 1. Identifiers: MedGen C0268335, MONDO:0019567, OMIM 130000.

Submission:

Labcorp Genetics (formerly Invitae), Labcorp
Classification: Pathogenic for Osteogenesis imperfecta type I; Ehlers-Danlos syndrome, classic type, 1. Last evaluated: 2022-01-06. Review status: criteria provided, single submitter. Criteria: Invitae Variant Classification Sherloc (09022015). Collection method: clinical testing. Allele origin: germline.
Comment: For these reasons, this variant has been classified as Pathogenic. This sequence change replaces glycine, which is neutral and non-polar, with alanine, which is neutral and non-polar, at codon 463 of the COL1A2 protein (p.Gly463Ala). This variant is not present in population databases (gnomAD no frequency). This missense change has been observed in individual(s) with autosomal dominant osteogenesis imperfecta (Invitae). ClinVar contains an entry for this variant (Variation ID: 1066123). Advanced modeling of protein sequence and biophysical properties (such as structural, functional, and spatial information, amino acid conservation, physicochemical variation, residue mobility, and thermodynamic stability) performed at Invitae indicates that this missense variant is expected to disrupt COL1A2 protein function. This variant disrupts the triple helix domain of COL1A2. Glycine residues within the Gly-Xaa-Yaa repeats of the triple helix domain are required for the structure and stability of fibrillar collagens (PMID: 7695699, 8218237, 19344236). In COL1A2, variants affecting these glycine residues are significantly enriched in individuals with disease (PMID: 9016532, 17078022) compared to the general population (ExAC).

Literature cited by the submitters: PubMed 7695699; PubMed 8218237; PubMed 19344236; PubMed 9016532; PubMed 17078022.

NM_000089.4(COL1A2):c.1388G>C (p.Gly463Ala)

Gene: COL1A2 (collagen type I alpha 2 chain; plus strand). Cytogenetic location: 7q21.3.
Variant type: single nucleotide variant.
Coding change: c.1388G>C on transcript NM_000089.4 (MANE Select); coding-DNA position 1388, G replaced by C.
Protein change: p.Gly463Ala; replaces glycine 463 with alanine.
Molecular consequence: missense variant.
Genome position (GRCh38, 1-based): chr7:94,412,105, G>C. VCF-style: chr7-94412105-G-C. GRCh37 (hg19) VCF-style: chr7-94041417-G-C.
Other names: short protein forms G463A.
Identifiers: ClinVar variation 1066123 (VCV001066123.8), dbSNP rs2115902837, ClinGen allele CA368221750.